The following is an entry in ClinVar:

ClinVar aggregate classification (germline): Uncertain significance. Review status: criteria provided, multiple submitters, no conflicts (2 of 4 stars). 2 submissions from 2 submitters: Uncertain significance (2). Last evaluated 2024-09-10.

Allele frequency attached by ClinVar (database versions not stated): ExAC 0.00008; ESP Exome Variant Server 0.00009.

Submissions (2):

Ambry Genetics
Classification: Uncertain significance. Last evaluated: 2024-09-10. Review status: criteria provided, single submitter. Criteria: Ambry Variant Classification Scheme 2023. Collection method: clinical testing. Allele origin: germline.

Labcorp Genetics (formerly Invitae), Labcorp
Classification: Uncertain significance. Last evaluated: 2024-04-29. Review status: criteria provided, single submitter. Criteria: Invitae Variant Classification Sherloc (09022015). Collection method: clinical testing. Allele origin: germline.
Comment: This sequence change replaces alanine, which is neutral and non-polar, with valine, which is neutral and non-polar, at codon 9 of the PITRM1 protein (p.Ala9Val). This variant is present in population databases (rs371454397, gnomAD 0.04%). This variant has not been reported in the literature in individuals affected with PITRM1-related conditions. ClinVar contains an entry for this variant (Variation ID: 2071925). An algorithm developed to predict the effect of missense changes on protein structure and function (PolyPhen-2) suggests that this variant is likely to be tolerated. In summary, the available evidence is currently insufficient to determine the role of this variant in disease. Therefore, it has been classified as a Variant of Uncertain Significance.

NM_014889.4(PITRM1):c.19C>T (p.Arg7Trp)

Genes: PITRM1 (pitrilysin metallopeptidase 1; minus strand), LOC130003177 (ATAC-STARR-seq lymphoblastoid silent region 2073; plus strand). Cytogenetic location: 10p15.2.
Variant type: single nucleotide variant.
Coding change: c.19C>T on transcript NM_014889.4 (MANE Select); coding-DNA position 19, C replaced by T.
Protein change: p.Arg7Trp; replaces arginine 7 with tryptophan.
Molecular consequence: missense variant. On other transcripts: 5 prime UTR variant (3), non-coding transcript variant (4).
Genome position (GRCh38, 1-based): chr10:3,172,754, G>A on the plus strand (C>T on the coding strand, the complement: PITRM1 is on the minus strand). VCF-style: chr10-3172754-G-A. GRCh37 (hg19) VCF-style: chr10-3214946-G-A.
Other names: c.19C>T, p.Arg7Trp (NM_001242307.2, NM_001347725.2); c.26C>T, p.Ala9Val (NM_001242309.1); c.-553C>T (NM_001347726.2, NM_001347727.2); c.-1282C>T (NM_001347728.2); short protein forms A9V, R7W.
Identifiers: ClinVar variation 2071925 (VCV002071925.6), dbSNP rs371454397, ClinGen allele CA5388384.